The following is an entry in ClinVar:

NM_000492.4(CFTR):c.610G>A (p.Ala204Thr)

Gene: CFTR (CF transmembrane conductance regulator; plus strand). Cytogenetic location: 7q31.2.
Variant type: single nucleotide variant.
Coding change: c.610G>A on transcript NM_000492.4 (MANE Select); coding-DNA position 610, G replaced by A.
Protein change: p.Ala204Thr; replaces alanine 204 with threonine.
Molecular consequence: missense variant.
Genome position (GRCh38, 1-based): chr7:117,535,278, G>A. VCF-style: chr7-117535278-G-A. GRCh37 (hg19) VCF-style: chr7-117175332-G-A.
Other names: short protein forms A204T.
Identifiers: ClinVar variation 555386 (VCV000555386.9), dbSNP rs748026786, ClinGen allele CA4450783.

ClinVar aggregate classification (germline): Uncertain significance. Review status: criteria provided, multiple submitters, no conflicts (2 of 4 stars). 5 submissions from 5 submitters: Uncertain significance (4). 1 of the submissions does not count toward it. Last evaluated 2026-03-25.

Conditions:
CFTR-related disorder (CFTR-RD). Also called: CFTR-related disorders; CFTR-related condition. Identifiers: MedGen C5924204, MONDO:7770004.
Cystic fibrosis (CF). Also called: MUCOVISCIDOSIS. Identifiers: Orphanet 586, MedGen C0010674, MONDO:0009061, OMIM 219700. Disease mechanism: loss of function.

Allele frequency attached by ClinVar (database versions not stated): gnomAD 0.00002 and 0.00003; TOPMed 0.00002; ExAC 0.00001.
gnomAD v4.1: 8 of 1,612,144 alleles (0.0005%); highest among the groups gnomAD compares: African/African-American, 0.004%; no homozygotes.

Submissions (5):

Ambry Genetics
Classification: Uncertain significance for Cystic fibrosis. Last evaluated: 2026-03-25. Review status: criteria provided, single submitter. Criteria: Ambry Variant Classification Scheme 2023. Collection method: clinical testing. Allele origin: germline.
Comment: The p.A204T variant (also known as c.610G>A), located in coding exon 6 of the CFTR gene, results from a G to A substitution at nucleotide position 610. The alanine at codon 204 is replaced by threonine, an amino acid with similar properties. This amino acid position is not well conserved in available vertebrate species. In addition, the in silico prediction for this alteration is inconclusive. Based on the available evidence, the clinical significance of this variant remains unclear.

PreventionGenetics, part of Exact Sciences
Classification: Uncertain significance for CFTR-related condition. Last evaluated: 2025-05-14. Review status: criteria provided, single submitter. Criteria: ACMG Guidelines, 2015. Collection method: clinical testing. Allele origin: germline.
Comment: The CFTR c.610G>A variant is predicted to result in the amino acid substitution p.Ala204Thr. This variant was reported in an individual with cystic fibrosis-like symptom (Mutesa et al. 2008. PubMed ID: 19017867). This variant is reported in 0.0065% of alleles in individuals of South Asian descent in gnomAD. At this time, the clinical significance of this variant is uncertain due to the absence of conclusive functional and genetic evidence.

Labcorp Genetics (formerly Invitae), Labcorp
Classification: Uncertain significance for Cystic fibrosis. Last evaluated: 2025-02-27. Review status: criteria provided, single submitter. Criteria: Invitae Variant Classification Sherloc (09022015). Collection method: clinical testing. Allele origin: germline.
Comment: This sequence change replaces alanine, which is neutral and non-polar, with threonine, which is neutral and polar, at codon 204 of the CFTR protein (p.Ala204Thr). The frequency data for this variant in the population databases is considered unreliable, as metrics indicate poor data quality at this position in the gnomAD database. This missense change has been observed in individual(s) with cystic fibrosis (PMID: 19017867). ClinVar contains an entry for this variant (Variation ID: 555386). Invitae Evidence Modeling of protein sequence and biophysical properties (such as structural, functional, and spatial information, amino acid conservation, physicochemical variation, residue mobility, and thermodynamic stability) indicates that this missense variant is not expected to disrupt CFTR protein function with a negative predictive value of 80%. Experimental studies have shown that this missense change affects CFTR function (PMID: 19017867). In summary, the available evidence is currently insufficient to determine the role of this variant in disease. Therefore, it has been classified as a Variant of Uncertain Significance.

Women's Health and Genetics/Laboratory Corporation of America, LabCorp
Classification: Uncertain significance. Last evaluated: 2023-06-19. Review status: criteria provided, single submitter. Criteria: LabCorp Variant Classification Summary - May 2015. Collection method: clinical testing. Allele origin: germline.
Comment: Variant summary: CFTR c.610G>A (p.Ala204Thr) results in a non-conservative amino acid change located in the ABC transporter type 1, transmembrane domain (IPR011527) of the encoded protein sequence. Three of five in-silico tools predict a benign effect of the variant on protein function. The variant allele was found at a frequency of 8e-06 in 251424 control chromosomes. The available data on variant occurrences in the general population are insufficient to allow any conclusion about variant significance. c.610G>A has been reported in the literature in individuals affected with Cystic Fibrosis (Mutesa_2009) . These report(s) do not provide unequivocal conclusions about association of the variant with Cystic Fibrosis. One publication reports weak expression and altered glycosylation (Mutesa_2009), however, does not allow convincing conclusions about the variant effect. The following publication have been ascertained in the context of this evaluation (PMID: 19017867). Two submitters have cited clinical-significance assessments for this variant to ClinVar after 2014. All submitters classified the variant as uncertain significance. Based on the evidence outlined above, the variant was classified as uncertain significance.

Counsyl
Classification: Uncertain significance for Cystic fibrosis. Last evaluated: 2017-12-04. Review status: no assertion criteria provided. Collection method: clinical testing. Allele origin: unknown. Not counted in ClinVar's aggregate classification.

Literature cited by the submitters: PubMed 19017867 (cited by 3 submitters).